The following is an entry in ClinVar:

ClinVar aggregate classification (germline): Uncertain significance (1 of 4 stars; one submission).

Submission:

GeneDx
Classification: Uncertain significance. Last evaluated: 2026-06-02. Review status: criteria provided, single submitter. Criteria: GeneDx Variant Classification Process June 2021. Collection method: clinical testing. Allele origin: germline.
Comment: Not observed at significant frequency in large population cohorts (gnomAD); In silico analysis supports that this missense variant has a deleterious effect on protein structure/function; Has not been previously published as pathogenic or benign to our knowledge

NM_016148.5(SHANK1):c.6200G>A (p.Gly2067Glu)

Gene: SHANK1 (SH3 and multiple ankyrin repeat domains 1; minus strand). Cytogenetic location: 19q13.33.
Variant type: single nucleotide variant.
Coding change: c.6200G>A on transcript NM_016148.5 (MANE Select); coding-DNA position 6200, G replaced by A.
Protein change: p.Gly2067Glu; replaces glycine 2067 with glutamic acid.
Molecular consequence: missense variant.
Genome position (GRCh38, 1-based): chr19:50,662,251, C>T on the plus strand (G>A on the coding strand, the complement: SHANK1 is on the minus strand). VCF-style: chr19-50662251-C-T. GRCh37 (hg19) VCF-style: chr19-51165508-C-T.
Other names: short protein forms G2067E.
Identifiers: ClinVar variation 3899052 (VCV003899052.2).